The following is an entry in ClinVar:

ClinVar aggregate classification (germline): Conflicting classifications of pathogenicity. Review status: criteria provided, conflicting classifications (1 of 4 stars). 6 submissions from 6 submitters: Uncertain significance (1); Benign (1); Likely benign (4). Last evaluated 2026-01-01.

Conditions:
Cardio-facio-cutaneous syndrome. Also called: Cardiofaciocutaneous syndrome; CFC syndrome. Identifiers: Orphanet 1340, MedGen C1275081, MONDO:0015280. Disease mechanism: gain of function.
Cardiovascular phenotype. Identifiers: MedGen CN230736.

Allele frequency attached by ClinVar (database versions not stated): ExAC 0.00006; gnomAD 0.00006 and 0.00009; ESP Exome Variant Server 0.00008; gnomAD exomes 0.00008; TOPMed 0.00012.
gnomAD v4.1: 336 of 1,611,872 alleles (0.021%); highest among the groups gnomAD compares: Non-Finnish European, 0.027%; no homozygotes.

Submissions (6):

CeGaT Center for Human Genetics Tuebingen
Classification: Likely benign. Last evaluated: 2026-01-01. Review status: criteria provided, single submitter. Criteria: CeGaT Center For Human Genetics Tuebingen Variant Classification Criteria Version 2. Collection method: clinical testing. Allele origin: germline. Affected: yes. Observed: 3 variant alleles.
Comment: KRAS: BS2

Ambry Genetics
Classification: Likely benign for Cardiovascular phenotype. Last evaluated: 2025-01-31. Review status: criteria provided, single submitter. Criteria: Ambry Variant Classification Scheme 2023. Collection method: clinical testing. Allele origin: germline.

St. Jude Molecular Pathology, St. Jude Children's Research Hospital
Classification: Uncertain significance for Cardio-facio-cutaneous syndrome. Last evaluated: 2021-03-29. Review status: criteria provided, single submitter. Criteria: St. Jude Assertion Criteria 2020. Collection method: clinical testing. Allele origin: germline.
Comment: The KRAS c.540T>A (p.Cys180X) change is a nonsense variant in an alternate transcript of the KRAS gene that is predicted to cause protein truncation. The disease mechanism for RASopathies is gain-of-function caused by missense changes and protein truncating variants do not have an established correlation to disease (BP1). This variant has a maximum subpopulation frequency of 0.015% in gnomAD v2.1.1. This is neither rare or greater than expected for the disorder based on thresholds defined by the ClinGen RASopathy Variant Curation Expert Panel (PMID:29493581). This variant has been reported in an individual with constrictive pericarditis (PMID: 29517769), as well as individuals who do not present with clinical features of RASopathy disorders (PMID: 27763634, internal data). Data deposited into ClinVar indicates that this variant was identified in an individual who is affected by carries a pathogenic variant in another gene which is likely responsible for the disease (ClinVar Accession: SCV000063500.5). In summary, this variant meets criteria to be classified as of uncertain significance based on the ACMG/AMP criteria, as specified by the ClinGen RASopathy Variant Curation Expert Panel: BP1.

Women's Health and Genetics/Laboratory Corporation of America, LabCorp
Classification: Benign. Last evaluated: 2018-07-02. Review status: criteria provided, single submitter. Criteria: LabCorp Variant Classification Summary - May 2015. Collection method: clinical testing. Allele origin: germline.
Comment: Variant summary: KRAS c.540T>A (p.Cys180X) results in a premature termination codon, predicted to cause a truncation of the encoded protein or absence of the protein due to nonsense mediated decay. However, gain-of-function is the established molecular mechanism for disease for KRAS variants associated with Noonan spectrum disorders. The variant allele was found at a frequency of 7.9e-05 in 276946 control chromosomes (gnomAD). The observed variant frequency is approximately 6-fold higher than the estimated maximal expected allele frequency for a pathogenic variant in KRAS causing Noonan Syndrome and Related Conditions phenotype (1.3e-05), strongly suggesting that the variant is benign. The variant, c.540T>A, has been reported in the literature in an individual presenting with obesity, webbed neck, acne, bilateral inguinal hernia repair, abnormal pubertal development (Bhoj_2016) and an individual presenting with constrictive pericarditis (Herkert_2018) in whom it was classified as "Likely Benign" and "VUS" respectively. To our knowledge, no experimental evidence demonstrating an impact on protein function has been reported. A ClinVar submission from a clinical diagnostic laboratory (evaluation after 2014) cites the variant as uncertain significance. Another ClinVar submission from a clinical diagnostic laboratory (evaluation before 2014) indicate the variant co-occurred with another pathogenic variant in a different gene and the laboratory classified the variant as "likely benign." Based on the evidence outlined above, the variant was classified as benign.

GeneDx
Classification: Likely benign. Last evaluated: 2016-10-31. Review status: criteria provided, single submitter. Criteria: GeneDx Variant Classification Process June 2021. Collection method: clinical testing. Allele origin: germline. Affected: yes.
Comment: This variant is associated with the following publications: (PMID: 26122175, 29625052, 26689913)

Laboratory for Molecular Medicine, Mass General Brigham Personalized Medicine
Classification: Likely benign. Last evaluated: 2013-11-07. Review status: criteria provided, single submitter. Criteria: LMM Criteria. Collection method: clinical testing. Allele origin: germline. Observed: 4 variant alleles.
Comment: Cys180X in exon 5 of KRAS: This variant is not expected to have clinical signifi cance because it has been previously identified by our laboratory in one individ ual who does not have clinical features of Noonan spectrum disorders and a secon d individual who is affected but carries a pathogenic variant in another gene wh ich is likely responsible for the disease. In addition, variants associated with Noonan spectrum disorders are typically gain-of-function; therefore, nonsense v ariants such as this are not common. Furthermore, this variant is located in an exon which is alternatively spliced in one isoform of KRAS. No pathogenic sequen ce variants in this region of the gene have been previously described. This vari ant has also been identified in 0.01% (1/8598) of European American chromosomes by the NHLBI Exome Sequencing Project (dbSNP r s373169526). In summary, this variant is likely benign.

Literature cited by the submitters: PubMed 27763634 (cited by Women's Health and Genetics/Laboratory Corporation of America, LabCorp); PubMed 29517769 (cited by Women's Health and Genetics/Laboratory Corporation of America, LabCorp).

NM_004985.5(KRAS):c.451-5560T>A

Gene: KRAS (KRas proto-oncogene, GTPase; minus strand). Cytogenetic location: 12p12.1.
Variant type: single nucleotide variant.
Coding change: c.451-5560T>A on transcript NM_004985.5 (MANE Select); 5560 bases into the intron before coding-DNA position 451, T replaced by A.
Molecular consequence: intron variant. On other transcripts: nonsense (2).
Genome position (GRCh38, 1-based): chr12:25,215,471, A>T on the plus strand (T>A on the coding strand, the complement: KRAS is on the minus strand). VCF-style: chr12-25215471-A-T. GRCh37 (hg19) VCF-style: chr12-25368405-A-T.
Other names: p.C180*:TGT>TGA; c.540T>A, p.Cys180Ter (NM_001369786.1, NM_033360.4); c.451-5560T>A (NM_001369787.1); short protein forms C180*.
Identifiers: ClinVar variation 46541 (VCV000046541.27), dbSNP rs373169526, ClinGen allele CA138590.